The following is an entry in ClinVar:

NC_000019.9:g.(?_49481161)_(49489312_?)del

Gene: GYS1 (glycogen synthase 1; minus strand). Cytogenetic location: 19q13.33.
Variant type: Deletion.
Identifiers: ClinVar variation 1410562 (VCV001410562.5).

ClinVar aggregate classification (germline): Uncertain significance (1 of 4 stars; one submission).

Conditions:
Glycogen storage disease due to muscle and heart glycogen synthase deficiency. Also called: MUSCLE GLYCOGEN SYNTHASE DEFICIENCY; GSD 0b. Identifiers: Orphanet 137625, MedGen C1969054, MONDO:0012693, OMIM 611556.

Submission:

Labcorp Genetics (formerly Invitae), Labcorp
Classification: Uncertain significance for Glycogen storage disease due to muscle and heart glycogen synthase deficiency. Last evaluated: 2022-06-20. Review status: criteria provided, single submitter. Criteria: Invitae Variant Classification Sherloc (09022015). Collection method: clinical testing. Allele origin: germline.
Comment: In summary, the available evidence is currently insufficient to determine the role of this variant in disease. Therefore, it has been classified as a Variant of Uncertain Significance. Experimental studies and prediction algorithms are not available or were not evaluated, and the functional significance of this variant is currently unknown. This variant has not been reported in the literature in individuals affected with GYS1-related conditions. This variant is a gross deletion of the genomic region encompassing exon(s) 4-10 of the GYS1 gene. This variant would be expected to be in-frame, preserving the integrity of the reading frame.